The following is an entry in ClinVar:

NM_022437.3(ABCG8):c.320C>G (p.Ser107Ter)

Gene: ABCG8 (ATP binding cassette subfamily G member 8; plus strand). Cytogenetic location: 2p21.
Variant type: single nucleotide variant.
Coding change: c.320C>G on transcript NM_022437.3 (MANE Select); coding-DNA position 320, C replaced by G.
Protein change: p.Ser107Ter; replaces serine 107 with a stop codon.
Molecular consequence: nonsense.
Genome position (GRCh38, 1-based): chr2:43,846,309, C>G. VCF-style: chr2-43846309-C-G. GRCh37 (hg19) VCF-style: chr2-44073448-C-G.
Other names: ABCG8, SER107TER (rs137854891); p.Ser107*; c.320C>G, p.Ser107Ter (NM_001357321.2); short protein forms S107*.
Identifiers: ClinVar variation 39520 (VCV000039520.12), dbSNP rs137854891, ClinGen allele CA343788.

ClinVar aggregate classification (germline): Pathogenic. Review status: criteria provided, multiple submitters, no conflicts (2 of 4 stars). 3 submissions from 3 submitters: Pathogenic (2). 1 of the submissions does not count toward it. Last evaluated 2025-11-07.

Conditions:
Sitosterolemia 1. Identifiers: MedGen C2749759, MONDO:0020747, OMIM 210250.

Allele frequency attached by ClinVar (database versions not stated): ExAC 0.00002; gnomAD exomes 0.00002.
gnomAD v4.1: 21 of 1,614,150 alleles (0.0013%); highest among the groups gnomAD compares: Non-Finnish European, 0.0018%; no homozygotes.

Submissions (3):

Mayo Clinic Laboratories, Mayo Clinic
Classification: Pathogenic. Last evaluated: 2025-11-07. Review status: criteria provided, single submitter. Criteria: ACMG Guidelines, 2015. Collection method: clinical testing. Allele origin: germline. Observed: 1 variant allele.
Comment: PP1, PP4, PM2_supporting, PM3, PVS1

Labcorp Genetics (formerly Invitae), Labcorp
Classification: Pathogenic. Last evaluated: 2022-11-15. Review status: criteria provided, single submitter. Criteria: Invitae Variant Classification Sherloc (09022015). Collection method: clinical testing. Allele origin: germline.
Comment: For these reasons, this variant has been classified as Pathogenic. ClinVar contains an entry for this variant (Variation ID: 39520). This premature translational stop signal has been observed in individual(s) with sitosterolemia (PMID: 15375183, 28521186). In at least one individual the data is consistent with being in trans (on the opposite chromosome) from a pathogenic variant. It has also been observed to segregate with disease in related individuals. This variant is present in population databases (rs137854891, gnomAD 0.004%). This sequence change creates a premature translational stop signal (p.Ser107*) in the ABCG8 gene. It is expected to result in an absent or disrupted protein product. Loss-of-function variants in ABCG8 are known to be pathogenic (PMID: 11452359, 15375183, 16029460).

OMIM
Classification: Pathogenic for SITOSTEROLEMIA 1. Last evaluated: 2012-10-05. Review status: no assertion criteria provided. Collection method: literature only. Allele origin: germline. Not counted in ClinVar's aggregate classification.

Literature cited by the submitters: PubMed 12578886 (cited by Mayo Clinic Laboratories, Mayo Clinic); PubMed 15375183 (cited by Mayo Clinic Laboratories, Mayo Clinic and Labcorp Genetics (formerly Invitae), Labcorp); PubMed 22378727 (cited by Mayo Clinic Laboratories, Mayo Clinic); PubMed 25444527 (cited by Mayo Clinic Laboratories, Mayo Clinic); PubMed 28521186 (cited by Mayo Clinic Laboratories, Mayo Clinic and Labcorp Genetics (formerly Invitae), Labcorp); PubMed 29353227 (cited by Mayo Clinic Laboratories, Mayo Clinic); PubMed 11452359 (cited by Labcorp Genetics (formerly Invitae), Labcorp); PubMed 16029460 (cited by Labcorp Genetics (formerly Invitae), Labcorp); PubMed 22981120 (cited by OMIM).